The following is an entry in ClinVar:

NM_000388.4(CASR):c.994G>A (p.Glu332Lys)

Gene: CASR (calcium sensing receptor; plus strand). Cytogenetic location: 3q21.1.
Variant type: single nucleotide variant.
Coding change: c.994G>A on transcript NM_000388.4 (MANE Select); coding-DNA position 994, G replaced by A.
Protein change: p.Glu332Lys; replaces glutamic acid 332 with lysine.
Molecular consequence: missense variant.
Genome position (GRCh38, 1-based): chr3:122,262,029, G>A. VCF-style: chr3-122262029-G-A. GRCh37 (hg19) VCF-style: chr3-121980876-G-A.
Other names: c.994G>A, p.Glu332Lys (NM_001178065.2); short protein forms E332K.
Identifiers: ClinVar variation 2940750 (VCV002940750.3), dbSNP rs2473227584, ClinGen allele CA354151996.

ClinVar aggregate classification (germline): Uncertain significance (1 of 4 stars; one submission).

Conditions:
Autosomal dominant hypocalcemia 1 (HYPOC1). Also called: HYPOCALCEMIA, FAMILIAL. Identifiers: MedGen C3715128, MONDO:0011013, OMIM 601198.
Familial hypocalciuric hypercalcemia (FHH). Also called: Familial benign hypercalcemia. Identifiers: Orphanet 405, MedGen C1809471, MONDO:0018458.

Submission:

Labcorp Genetics (formerly Invitae), Labcorp
Classification: Uncertain significance for Familial hypocalciuric hypercalcemia; Autosomal dominant hypocalcemia 1. Last evaluated: 2025-05-13. Review status: criteria provided, single submitter. Criteria: Invitae Variant Classification Sherloc (09022015). Collection method: clinical testing. Allele origin: germline.
Comment: This sequence change replaces glutamic acid, which is acidic and polar, with lysine, which is basic and polar, at codon 332 of the CASR protein (p.Glu332Lys). This variant is not present in population databases (gnomAD no frequency). This variant has not been reported in the literature in individuals affected with CASR-related conditions. ClinVar contains an entry for this variant (Variation ID: 2940750). An algorithm developed to predict the effect of missense changes on protein structure and function (PolyPhen-2) suggests that this variant is likely to be tolerated. In summary, the available evidence is currently insufficient to determine the role of this variant in disease. Therefore, it has been classified as a Variant of Uncertain Significance.